The following is an entry in ClinVar:

NM_001387430.1(SH2B1):c.1156C>T (p.Arg386Cys)

Gene: SH2B1 (SH2B adaptor protein 1; plus strand). Cytogenetic location: 16p11.2.
Variant type: single nucleotide variant.
Coding change: c.1156C>T on transcript NM_001387430.1 (MANE Select); coding-DNA position 1156, C replaced by T.
Protein change: p.Arg386Cys; replaces arginine 386 with cysteine.
Molecular consequence: missense variant.
Genome position (GRCh38, 1-based): chr16:28,869,230, C>T. VCF-style: chr16-28869230-C-T. GRCh37 (hg19) VCF-style: chr16-28880551-C-T.
Other names: c.1156C>T, p.Arg386Cys (NM_001145795.2, NM_001145796.2, NM_001145797.2 and 4 more transcripts); c.148C>T, p.Arg50Cys (NM_001308294.2); short protein forms R386C, R50C.
Identifiers: ClinVar variation 3354484 (VCV003354484.1).
Genomic context (GRCh38, chr16:28,869,230, plus strand): 5'-TGACTTTCCTCCCAGCACCATCTTCCCTGTCTCTGCAGACCCTGCCCTGCTACCAGTCCC[C>T]GCCCCATGACCCTCCCTCTGGCCCCTGGGACCTCATTCCTTACAAGGGAGAACACAGACA-3'
Protein context (NP_001374359.1, residues 376-396): SPGPCPATSP[Arg386Cys]PMTLPLAPGT

ClinVar aggregate classification (germline): Uncertain significance (0 of 4 stars; one submission).

Conditions:
SH2B1-related disorder. Also called: SH2B1-related condition.

Submission:

PreventionGenetics, part of Exact Sciences
Classification: Uncertain significance for SH2B1-related condition. Last evaluated: 2024-02-19. Review status: no assertion criteria provided. Collection method: clinical testing. Allele origin: germline.
Comment: The SH2B1 c.1156C>T variant is predicted to result in the amino acid substitution p.Arg386Cys. To our knowledge, this variant has not been reported in the literature. This variant is reported in 0.00088% of alleles in individuals of European (Non-Finnish) descent in gnomAD. At this time, the clinical significance of this variant is uncertain due to the absence of conclusive functional and genetic evidence.